The following is an entry in ClinVar:

ClinVar aggregate classification (germline): Likely benign. Review status: reviewed by expert panel (3 of 4 stars). 3 submissions from 3 submitters: Likely benign (1). 2 of the submissions do not count toward it. Last evaluated 2022-08-23.

Conditions:
Inborn genetic diseases. Identifiers: MedGen C0950123, MeSH D030342.
Hereditary thrombocytopenia and hematological cancer predisposition syndrome associated with RUNX1. Also called: RUNX1 Familial Platelet Disorder with Associated Myeloid Malignancies; Familial Platelet Disorder with Propensity to Acute Myelogenous Leukemia; PLATELET DISORDER, ASPIRIN-LIKE; Familial thrombocytopenia with propensity to acute myelogenous leukemia. Identifiers: Orphanet 71290, MedGen C1832388, MeSH C563324, MONDO:0100083, OMIM 601399.
Hereditary thrombocytopenia and hematologic cancer predisposition syndrome. Identifiers: Orphanet 71290, MedGen CN281654, MONDO:0011071.

Allele frequency attached by ClinVar (database versions not stated): gnomAD exomes 0.00001; gnomAD 0.00002 and 0.00003; TOPMed 0.00002.
gnomAD v4.1: 16 of 1,613,368 alleles (0.00099%); highest among the groups gnomAD compares: Non-Finnish European, 0.0014%; no homozygotes.

Submissions (3):

ClinGen Myeloid Malignancy Variant Curation Expert Panel
Classification: Likely benign for Hereditary thrombocytopenia and hematologic cancer predisposition syndrome. Last evaluated: 2022-08-23. Review status: reviewed by expert panel. Criteria: ClinGen MyeloMalig ACMG Specifications v2. Collection method: curation. Allele origin: germline. Inheritance: Autosomal dominant inheritance.
Comment: NM_001754.5(RUNX1):c.336G>T (p.Leu112=) is a synonymous variant. This variant does not have a REVEL score and SpliceAI is <=0.20 (0.01) which meets the criteria for BP4. Evolutionary conservation prediction algorithms predict the site as not being conserved (PhyloP score 1.05 < 2.0 or the variant is the reference nucleotide in one primate and/or three mammal species) (BP7). In summary, this variant meets criteria to be classified as likely benign. ACMG/AMP criteria applied, as specified by the Myeloid Malignancy Variant Curation Expert Panel for RUNX1: BP4, BP7

Ambry Genetics
Classification: Likely benign for Inborn genetic diseases. Last evaluated: 2024-11-27. Review status: criteria provided, single submitter. Criteria: Ambry Variant Classification Scheme 2023. Collection method: clinical testing. Allele origin: germline. Not counted in ClinVar's aggregate classification.

Labcorp Genetics (formerly Invitae), Labcorp
Classification: Likely benign for Hereditary thrombocytopenia and hematological cancer predisposition syndrome associated with RUNX1. Last evaluated: 2024-02-26. Review status: criteria provided, single submitter. Criteria: Invitae Variant Classification Sherloc (09022015). Collection method: clinical testing. Allele origin: germline. Not counted in ClinVar's aggregate classification.

NM_001754.5(RUNX1):c.336G>T (p.Leu112=)

Gene: RUNX1 (RUNX family transcription factor 1; minus strand). Cytogenetic location: 21q22.12.
Variant type: single nucleotide variant.
Coding change: c.336G>T on transcript NM_001754.5 (MANE Select); coding-DNA position 336, G replaced by T.
Protein change: p.Leu112=; no amino-acid change (leucine 112 retained).
Molecular consequence: synonymous variant.
Genome position (GRCh38, 1-based): chr21:34,886,858, C>A on the plus strand (G>T on the coding strand, the complement: RUNX1 is on the minus strand). VCF-style: chr21-34886858-C-A. GRCh37 (hg19) VCF-style: chr21-36259155-C-A.
Other names: NM_001754.5(RUNX1):c.336G>T; p.Leu112=; c.255G>T, p.Leu85= (NM_001001890.3, NM_001122607.2).
Identifiers: ClinVar variation 698127 (VCV000698127.12), dbSNP rs977880516, ClinGen allele CA320642610.
Genomic context (GRCh38, chr21:34,886,858, plus strand): 5'-CGCCGGCCTCCGCCTGTCCTCCCACCACCCTCTCCGGGCCAGTACCTTGAAAGCGATGGG[C>A]AGGGTCTTGTTGCAGCGCCAGTGCGTAGGCAGCACGGAGCAGAGGAAGTTGGGGCTGTCG-3'
Protein context (NP_001745.2, residues 102-122): LPTHWRCNKT[Leu112=]PIAFKVVALG